The following is an entry in ClinVar:

NM_031475.3(ESPN):c.1821G>A (p.Pro607=)

Gene: ESPN (espin; plus strand). Cytogenetic location: 1p36.31.
Variant type: single nucleotide variant.
Coding change: c.1821G>A on transcript NM_031475.3 (MANE Select); coding-DNA position 1821, G replaced by A.
Protein change: p.Pro607=; no amino-acid change (proline 607 retained).
Molecular consequence: synonymous variant.
Genome position (GRCh38, 1-based): chr1:6,448,997, G>A. VCF-style: chr1-6448997-G-A. GRCh37 (hg19) VCF-style: chr1-6509057-G-A.
Other names: c.1821G>A (NM_031475.2); c.1731G>A, p.Pro577= (NM_001367473.1, NM_001367474.1).
Identifiers: ClinVar variation 1675339 (VCV001675339.35), dbSNP rs1204209800, ClinGen allele CA416021552.

ClinVar aggregate classification (germline): Likely benign. Review status: criteria provided, multiple submitters, no conflicts (2 of 4 stars). 3 submissions from 3 submitters: Likely benign (3). Last evaluated 2025-12-14.

Conditions:
ESPN-related disorder. Also called: ESPN-related condition.

Allele frequency attached by ClinVar (database versions not stated): gnomAD 0.00001; TOPMed 0.00002; gnomAD exomes 0.00007.
gnomAD v4.1: 28 of 1,452,142 alleles (0.0019%); highest among the groups gnomAD compares: Admixed American, 0.0076%; no homozygotes.

Submissions (3):

PreventionGenetics, part of Exact Sciences
Classification: Likely benign for ESPN-related condition. Last evaluated: 2025-12-14. Review status: criteria provided, single submitter. Criteria: ACMG Guidelines, 2015. Collection method: clinical testing. Allele origin: germline.
Comment: This variant is classified as likely benign based on ACMG/AMP sequence variant interpretation guidelines (Richards et al. 2015 PMID: 25741868, with internal and published modifications).

Labcorp Genetics (formerly Invitae), Labcorp
Classification: Likely benign. Last evaluated: 2025-04-13. Review status: criteria provided, single submitter. Criteria: Invitae Variant Classification Sherloc (09022015). Collection method: clinical testing. Allele origin: germline.

CeGaT Center for Human Genetics Tuebingen
Classification: Likely benign. Last evaluated: 2022-02-01. Review status: criteria provided, single submitter. Criteria: CeGaT Center For Human Genetics Tuebingen Variant Classification Criteria Version 2. Collection method: clinical testing. Allele origin: germline. Affected: yes. Observed: 1 variant allele.